The following is an entry in ClinVar:

NM_006996.3(SLC19A2):c.1145C>T (p.Thr382Ile)

Gene: SLC19A2 (solute carrier family 19 member 2; minus strand). Cytogenetic location: 1q24.2.
Variant type: single nucleotide variant.
Coding change: c.1145C>T on transcript NM_006996.3 (MANE Select); coding-DNA position 1145, C replaced by T.
Protein change: p.Thr382Ile; replaces threonine 382 with isoleucine.
Molecular consequence: missense variant.
Genome position (GRCh38, 1-based): chr1:169,468,722, G>A on the plus strand (C>T on the coding strand, the complement: SLC19A2 is on the minus strand). VCF-style: chr1-169468722-G-A. GRCh37 (hg19) VCF-style: chr1-169437960-G-A.
Other names: c.542C>T, p.Thr181Ile (NM_001319667.1); short protein forms T181I, T382I.
Identifiers: ClinVar variation 3381269 (VCV003381269.3).

ClinVar aggregate classification (germline): Uncertain significance. Review status: criteria provided, multiple submitters, no conflicts (2 of 4 stars). 2 submissions from 2 submitters: Uncertain significance (2). Last evaluated 2025-08-31.

Conditions:
Inborn genetic diseases. Identifiers: MedGen C0950123, MeSH D030342.

Submissions (2):

Ambry Genetics
Classification: Uncertain significance for Inborn genetic diseases. Last evaluated: 2025-08-31. Review status: criteria provided, single submitter. Criteria: Ambry Variant Classification Scheme 2023. Collection method: clinical testing. Allele origin: germline.

GeneDx
Classification: Uncertain significance. Last evaluated: 2025-04-03. Review status: criteria provided, single submitter. Criteria: GeneDx Variant Classification Process June 2021. Collection method: clinical testing. Allele origin: germline.
Comment: Not observed at significant frequency in large population cohorts (gnomAD); In silico analysis indicates that this missense variant does not alter protein structure/function; Has not been previously published as pathogenic or benign to our knowledge